The following is an entry in ClinVar:

ClinVar aggregate classification (germline): Benign/Likely benign. Review status: criteria provided, multiple submitters, no conflicts (2 of 4 stars). 3 submissions from 3 submitters: Benign (1); Likely benign (2). Last evaluated 2026-08-01.

Allele frequency attached by ClinVar (database versions not stated): gnomAD 0.00161 and 0.00158; gnomAD exomes 0.00208; ExAC 0.00219; TOPMed 0.00043; 1000 Genomes Project 30x 0.00125; 1000 Genomes Project 0.00160.
gnomAD v4.1: 1,657 of 1,608,128 alleles (0.1%); highest among the groups gnomAD compares: East Asian, 0.9%; 11 homozygotes.

Submissions (3):

CeGaT Center for Human Genetics Tuebingen
Classification: Likely benign. Last evaluated: 2026-08-01. Review status: criteria provided, single submitter. Criteria: CeGaT Center For Human Genetics Tuebingen Variant Classification Criteria Version 2. Collection method: clinical testing. Allele origin: germline. Affected: yes. Observed: 1 variant allele.
Comment: LAMA5: BP4, BS2

Labcorp Genetics (formerly Invitae), Labcorp
Classification: Benign. Last evaluated: 2026-02-01. Review status: criteria provided, single submitter. Criteria: Invitae Variant Classification Sherloc (09022015). Collection method: clinical testing. Allele origin: germline.

Blueprint Genetics
Classification: Likely benign. Last evaluated: 2024-11-27. Review status: criteria provided, single submitter. Criteria: ACMG Guidelines, 2015. Collection method: clinical testing. Allele origin: germline.

NM_005560.6(LAMA5):c.9361-5C>T

Gene: LAMA5 (laminin subunit alpha 5; minus strand). Cytogenetic location: 20q13.33.
Variant type: single nucleotide variant.
Coding change: c.9361-5C>T on transcript NM_005560.6 (MANE Select); 5 bases into the intron before coding-DNA position 9361, C replaced by T.
Molecular consequence: intron variant.
Genome position (GRCh38, 1-based): chr20:62,312,321, G>A on the plus strand (C>T on the coding strand, the complement: LAMA5 is on the minus strand). VCF-style: chr20-62312321-G-A. GRCh37 (hg19) VCF-style: chr20-60887377-G-A.
Identifiers: ClinVar variation 1590123 (VCV001590123.11), dbSNP rs201686328, ClinGen allele CA9940273.